The following is an entry in ClinVar:

NM_014141.6(CNTNAP2):c.2491A>G (p.Thr831Ala)

Gene: CNTNAP2 (contactin associated protein 2; plus strand). Cytogenetic location: 7q35.
Variant type: single nucleotide variant.
Coding change: c.2491A>G on transcript NM_014141.6 (MANE Select); coding-DNA position 2491, A replaced by G.
Protein change: p.Thr831Ala; replaces threonine 831 with alanine.
Molecular consequence: missense variant.
Genome position (GRCh38, 1-based): chr7:148,118,225, A>G. VCF-style: chr7-148118225-A-G. GRCh37 (hg19) VCF-style: chr7-147815317-A-G.
Other names: short protein forms T831A.
Identifiers: ClinVar variation 1394594 (VCV001394594.6), dbSNP rs2116608455, ClinGen allele CA369927389.

ClinVar aggregate classification (germline): Uncertain significance (1 of 4 stars; one submission).

Conditions:
Cortical dysplasia-focal epilepsy syndrome (PTHSL1). Also called: Pitt-Hopkins-like syndrome 1. Identifiers: Orphanet 163681, Orphanet 221150, MedGen C2750246, MONDO:0012400, OMIM 610042.

Submission:

Labcorp Genetics (formerly Invitae), Labcorp
Classification: Uncertain significance for Cortical dysplasia-focal epilepsy syndrome. Last evaluated: 2022-03-14. Review status: criteria provided, single submitter. Criteria: Invitae Variant Classification Sherloc (09022015). Collection method: clinical testing. Allele origin: germline.
Comment: This sequence change replaces threonine, which is neutral and polar, with alanine, which is neutral and non-polar, at codon 831 of the CNTNAP2 protein (p.Thr831Ala). In summary, the available evidence is currently insufficient to determine the role of this variant in disease. Therefore, it has been classified as a Variant of Uncertain Significance. Algorithms developed to predict the effect of sequence changes on RNA splicing suggest that this variant may create or strengthen a splice site. Algorithms developed to predict the effect of missense changes on protein structure and function output the following: SIFT: "Tolerated"; PolyPhen-2: "Benign"; Align-GVGD: "Class C0". The alanine amino acid residue is found in multiple mammalian species, which suggests that this missense change does not adversely affect protein function. This variant has not been reported in the literature in individuals affected with CNTNAP2-related conditions. This variant is not present in population databases (gnomAD no frequency).